The following is an entry in ClinVar:

ClinVar aggregate classification (germline): Uncertain significance (1 of 4 stars; one submission).

Conditions:
Epileptic encephalopathy. Identifiers: MedGen C0543888, HP:0200134.

Submission:

Labcorp Genetics (formerly Invitae), Labcorp
Classification: Uncertain significance for Epileptic encephalopathy. Last evaluated: 2025-08-20. Review status: criteria provided, single submitter. Criteria: Invitae Variant Classification Sherloc (09022015). Collection method: clinical testing. Allele origin: germline.
Comment: This sequence change falls in intron 13 of the GABBR2 gene. It does not directly change the encoded amino acid sequence of the GABBR2 protein. It affects a nucleotide within the consensus splice site. This variant is not present in population databases (gnomAD no frequency). This variant has not been reported in the literature in individuals affected with GABBR2-related conditions. Variants that disrupt the consensus splice site are a relatively common cause of aberrant splicing (PMID: 17576681, 9536098). Algorithms developed to predict the effect of sequence changes on RNA splicing suggest that this variant is not likely to affect RNA splicing. In summary, the available evidence is currently insufficient to determine the role of this variant in disease. Therefore, it has been classified as a Variant of Uncertain Significance.

Literature cited by the submitters: PubMed 17576681; PubMed 9536098.

NM_005458.8(GABBR2):c.1894-3C>T

Gene: GABBR2 (gamma-aminobutyric acid type B receptor subunit 2; minus strand). Cytogenetic location: 9q22.33.
Variant type: single nucleotide variant.
Coding change: c.1894-3C>T on transcript NM_005458.8 (MANE Select); 3 bases into the intron before coding-DNA position 1894, C replaced by T.
Molecular consequence: intron variant.
Genome position (GRCh38, 1-based): chr9:98,311,208, G>A on the plus strand (C>T on the coding strand, the complement: GABBR2 is on the minus strand). VCF-style: chr9-98311208-G-A. GRCh37 (hg19) VCF-style: chr9-101073490-G-A.
Identifiers: ClinVar variation 4725708 (VCV004725708.1).